The following is an entry in ClinVar:

ClinVar aggregate classification (germline): Uncertain significance (1 of 4 stars; one submission).

Conditions:
Beckwith-Wiedemann syndrome (BWS). Also called: Exomphalos macroglossia gigantism syndrome; EMG SYNDROME. Identifiers: Orphanet 116, MedGen C0004903, MONDO:0007534, OMIM 130650.

Submission:

Labcorp Genetics (formerly Invitae), Labcorp
Classification: Uncertain significance for Beckwith-Wiedemann syndrome. Last evaluated: 2025-05-29. Review status: criteria provided, single submitter. Criteria: Invitae Variant Classification Sherloc (09022015). Collection method: clinical testing. Allele origin: germline.
Comment: This sequence change replaces glutamic acid, which is acidic and polar, with valine, which is neutral and non-polar, at codon 130 of the CDKN1C protein (p.Glu130Val). This variant is not present in population databases (gnomAD no frequency). This variant has not been reported in the literature in individuals affected with CDKN1C-related conditions. ClinVar contains an entry for this variant (Variation ID: 864507). Invitae Evidence Modeling of protein sequence and biophysical properties (such as structural, functional, and spatial information, amino acid conservation, physicochemical variation, residue mobility, and thermodynamic stability) indicates that this missense variant is not expected to disrupt CDKN1C protein function with a negative predictive value of 80%. In summary, the available evidence is currently insufficient to determine the role of this variant in disease. Therefore, it has been classified as a Variant of Uncertain Significance.

NM_001122630.2(CDKN1C):c.356A>T (p.Glu119Val)

Gene: CDKN1C (cyclin dependent kinase inhibitor 1C; minus strand). Cytogenetic location: 11p15.4.
Variant type: single nucleotide variant.
Coding change: c.356A>T on transcript NM_001122630.2 (MANE Select); coding-DNA position 356, A replaced by T.
Protein change: p.Glu119Val; replaces glutamic acid 119 with valine.
Molecular consequence: missense variant. On other transcripts: intron variant (1).
Genome position (GRCh38, 1-based): chr11:2,885,101, T>A on the plus strand (A>T on the coding strand, the complement: CDKN1C is on the minus strand). VCF-style: chr11-2885101-T-A. GRCh37 (hg19) VCF-style: chr11-2906331-T-A.
Other names: c.356A>T, p.Glu119Val (NM_001122631.2); c.389A>T, p.Glu130Val (NM_000076.2, NM_001362474.2); c.255+101A>T (NM_001362475.2); short protein forms E119V, E130V.
Identifiers: ClinVar variation 864507 (VCV000864507.9), dbSNP rs1848959847, ClinGen allele CA379146797.